The following is an entry in ClinVar:

NM_000326.5(RLBP1):c.409C>T (p.Arg137Cys)

Gene: RLBP1 (retinaldehyde binding protein 1; minus strand). Cytogenetic location: 15q26.1.
Variant type: single nucleotide variant.
Coding change: c.409C>T on transcript NM_000326.5 (MANE Select); coding-DNA position 409, C replaced by T.
Protein change: p.Arg137Cys; replaces arginine 137 with cysteine.
Molecular consequence: missense variant.
Genome position (GRCh38, 1-based): chr15:89,215,176, G>A on the plus strand (C>T on the coding strand, the complement: RLBP1 is on the minus strand). VCF-style: chr15-89215176-G-A. GRCh37 (hg19) VCF-style: chr15-89758407-G-A.
Other names: short protein forms R137C.
Identifiers: ClinVar variation 2188040 (VCV002188040.10), dbSNP rs777418643, ClinGen allele CA7722292.

ClinVar aggregate classification (germline): Uncertain significance. Review status: criteria provided, multiple submitters, no conflicts (2 of 4 stars). 3 submissions from 3 submitters: Uncertain significance (3). Last evaluated 2025-04-28.

Allele frequency attached by ClinVar (database versions not stated): ExAC 0.00001; TOPMed 0.00001; gnomAD exomes 0.00003.
gnomAD v4.1: 44 of 1,614,010 alleles (0.0027%); highest among the groups gnomAD compares: Middle Eastern, 0.016%; no homozygotes.

Submissions (3):

Labcorp Genetics (formerly Invitae), Labcorp
Classification: Uncertain significance. Last evaluated: 2025-04-28. Review status: criteria provided, single submitter. Criteria: Invitae Variant Classification Sherloc (09022015). Collection method: clinical testing. Allele origin: germline.
Comment: This sequence change replaces arginine, which is basic and polar, with cysteine, which is neutral and slightly polar, at codon 137 of the RLBP1 protein (p.Arg137Cys). This variant is present in population databases (rs777418643, gnomAD 0.007%). This variant has not been reported in the literature in individuals affected with RLBP1-related conditions. ClinVar contains an entry for this variant (Variation ID: 2188040). Invitae Evidence Modeling of protein sequence and biophysical properties (such as structural, functional, and spatial information, amino acid conservation, physicochemical variation, residue mobility, and thermodynamic stability) indicates that this missense variant is expected to disrupt RLBP1 protein function with a positive predictive value of 95%. In summary, the available evidence is currently insufficient to determine the role of this variant in disease. Therefore, it has been classified as a Variant of Uncertain Significance.

CeGaT Center for Human Genetics Tuebingen
Classification: Uncertain significance. Last evaluated: 2025-03-01. Review status: criteria provided, single submitter. Criteria: CeGaT Center For Human Genetics Tuebingen Variant Classification Criteria Version 2. Collection method: clinical testing. Allele origin: germline. Affected: yes. Observed: 1 variant allele.
Comment: RLBP1: PM2

Blueprint Genetics
Classification: Uncertain significance. Last evaluated: 2023-03-17. Review status: criteria provided, single submitter. Criteria: ACMG Guidelines, 2015. Collection method: clinical testing. Allele origin: germline.